The following is an entry in ClinVar:

NM_012186.3(FOXE3):c.562TACGCGCCC[1] (p.188YAP[1])

Genes: FOXE3 (forkhead box E3; plus strand), LINC01389 (long independently transcribed non-coding RNA 1389; minus strand). Cytogenetic location: 1p33.
Variant type: Microsatellite.
Coding change: c.562TACGCGCCC[1] on transcript NM_012186.3 (MANE Select); one copy of the 9-base unit TACGCGCCC starting at c.562; the reference has two copies in a row; one copy, 9 bases deleted.
Protein change: p.188YAP[1].
Molecular consequence: inframe deletion.
Genome position (GRCh38, 1-based): chr1:47,416,886-47,416,894, TACGCGCCC deleted; deleting any 9 consecutive bases within chr1:47,416,874-47,416,894 gives the same sequence; the position shown is the placement nearest the transcript's 3' end. VCF-style (leftmost placement, unchanged base first): chr1-47416873-CCCCTACGCG-C. GRCh37 (hg19) VCF-style: chr1-47882545-CCCCTACGCG-C.
Identifiers: ClinVar variation 1483739 (VCV001483739.8), dbSNP rs768610152, ClinGen allele CA736354149.

ClinVar aggregate classification (germline): Uncertain significance (1 of 4 stars; one submission).

Conditions:
Anterior segment dysgenesis. Also called: Ocular anterior segment dysgenesis. Identifiers: Orphanet 88632, MedGen C1862839, MONDO:0019503, HP:0007700.
Congenital primary aphakia. Also called: ANTERIOR SEGMENT DYSGENESIS 2; Anterior segment dysgenesis 2, multiple subtypes. Identifiers: Orphanet 83461, MedGen C1853230, MONDO:0012456, OMIM 610256.

Submission:

Labcorp Genetics (formerly Invitae), Labcorp
Classification: Uncertain significance for Anterior segment dysgenesis; Congenital primary aphakia. Last evaluated: 2025-11-18. Review status: criteria provided, single submitter. Criteria: Invitae Variant Classification Sherloc (09022015). Collection method: clinical testing. Allele origin: germline.
Comment: This variant, c.571_579del, results in the deletion of 3 amino acid(s) of the FOXE3 protein (p.Tyr191_Pro193del), but otherwise preserves the integrity of the reading frame. This variant is not present in population databases (gnomAD no frequency). This variant has not been reported in the literature in individuals affected with FOXE3-related conditions. Experimental studies and prediction algorithms are not available or were not evaluated, and the functional significance of this variant is currently unknown. In summary, the available evidence is currently insufficient to determine the role of this variant in disease. Therefore, it has been classified as a Variant of Uncertain Significance.